The following is an entry in ClinVar:

ClinVar aggregate classification (germline): Uncertain significance. Review status: criteria provided, multiple submitters, no conflicts (2 of 4 stars). 2 submissions from 2 submitters: Uncertain significance (2). Last evaluated 2024-01-29.

Allele frequency attached by ClinVar (database versions not stated): TOPMed 0.00001.

Submissions (2):

Labcorp Genetics (formerly Invitae), Labcorp
Classification: Uncertain significance. Last evaluated: 2024-01-29. Review status: criteria provided, single submitter. Criteria: Invitae Variant Classification Sherloc (09022015). Collection method: clinical testing. Allele origin: germline.
Comment: This sequence change replaces glutamic acid, which is acidic and polar, with aspartic acid, which is acidic and polar, at codon 88 of the NEXMIF protein (p.Glu88Asp). This variant is not present in population databases (gnomAD no frequency). This variant has not been reported in the literature in individuals affected with NEXMIF-related conditions. ClinVar contains an entry for this variant (Variation ID: 1702614). Algorithms developed to predict the effect of missense changes on protein structure and function output the following: SIFT: "Not Available"; PolyPhen-2: "Benign"; Align-GVGD: "Not Available". The aspartic acid amino acid residue is found in multiple mammalian species, which suggests that this missense change does not adversely affect protein function. In summary, the available evidence is currently insufficient to determine the role of this variant in disease. Therefore, it has been classified as a Variant of Uncertain Significance.

GeneDx
Classification: Uncertain significance. Last evaluated: 2022-02-16. Review status: criteria provided, single submitter. Criteria: GeneDx Variant Classification Process June 2021. Collection method: clinical testing. Allele origin: germline. Affected: yes.
Comment: Not observed at significant frequency in large population cohorts (gnomAD); In silico analysis supports that this missense variant does not alter protein structure/function; Has not been previously published as pathogenic or benign to our knowledge

NM_001008537.3(NEXMIF):c.264A>C (p.Glu88Asp)

Gene: NEXMIF (neurite extension and migration factor; minus strand). Cytogenetic location: Xq13.3.
Variant type: single nucleotide variant.
Coding change: c.264A>C on transcript NM_001008537.3 (MANE Select); coding-DNA position 264, A replaced by C.
Protein change: p.Glu88Asp; replaces glutamic acid 88 with aspartic acid.
Molecular consequence: missense variant.
Genome position (GRCh38, 1-based): chrX:74,744,293, T>G on the plus strand (A>C on the coding strand, the complement: NEXMIF is on the minus strand). VCF-style: chrX-74744293-T-G. GRCh37 (hg19) VCF-style: chrX-73964128-T-G.
Other names: short protein forms E88D.
Identifiers: ClinVar variation 1702614 (VCV001702614.5), dbSNP rs2080118588, ClinGen allele CA413673971.
Genomic context (GRCh38, chrX:74,744,293, plus strand): 5'-GCCTTTTGCAATGCCAGATGTGAGGGAGATGGCATTCACAGAAGCACTATTAGCAGCATG[T>G]TCGGGTGCTTCAATCAGGCCCAAAGGAGAGGGCGGGCTCTGCATACAGGGCTTCTTAGAG-3'
Protein context (NP_001008537.1, residues 78-98): PSPLGLIEAP[Glu88Asp]HAANSASVNA